The following is an entry in ClinVar:

ClinVar aggregate classification (germline): Uncertain significance. Review status: criteria provided, single submitter (1 of 4 stars). 2 submissions from 2 submitters: Uncertain significance (1). 1 of the submissions does not count toward it. Last evaluated 2023-12-22.

Conditions:
Neu-Laxova syndrome 2. Identifiers: Orphanet 2671, Orphanet 583602, MedGen C4015019, MONDO:0014466, OMIM 616038.

Allele frequency attached by ClinVar (database versions not stated): gnomAD exomes below 0.00001 and 0.00002; ExAC 0.00001; TOPMed 0.00003; gnomAD 0.00004; ESP Exome Variant Server 0.00008.
gnomAD v4.1: 34 of 1,613,732 alleles (0.0021%); highest among the groups gnomAD compares: Non-Finnish European, 0.0024%; no homozygotes.

Submissions (2):

Labcorp Genetics (formerly Invitae), Labcorp
Classification: Uncertain significance for Neu-Laxova syndrome 2. Last evaluated: 2023-12-22. Review status: criteria provided, single submitter. Criteria: Invitae Variant Classification Sherloc (09022015). Collection method: clinical testing. Allele origin: germline.
Comment: This sequence change replaces serine, which is neutral and polar, with cysteine, which is neutral and slightly polar, at codon 344 of the PSAT1 protein (p.Ser344Cys). This variant is present in population databases (rs370557155, gnomAD 0.003%). This variant has not been reported in the literature in individuals affected with PSAT1-related conditions. ClinVar contains an entry for this variant (Variation ID: 977013). Advanced modeling of protein sequence and biophysical properties (such as structural, functional, and spatial information, amino acid conservation, physicochemical variation, residue mobility, and thermodynamic stability) has been performed at Invitae for this missense variant, however the output from this modeling did not meet the statistical confidence thresholds required to predict the impact of this variant on PSAT1 protein function. Experimental studies have shown that this missense change does not substantially affect PSAT1 function (PMID: 32077105). In summary, the available evidence is currently insufficient to determine the role of this variant in disease. Therefore, it has been classified as a Variant of Uncertain Significance.

Dudley Research Group, Pacific Northwest Research Institute
No classification provided. Review status: no classification provided. Collection method: research, in vivo. Allele origin: unknown, not applicable. Functional consequence: functionally_normal. Not counted in ClinVar's aggregate classification.

Literature cited by the submitters: PubMed 32077105 (cited by Labcorp Genetics (formerly Invitae), Labcorp).

NM_058179.4(PSAT1):c.1031C>G (p.Ser344Cys)

Gene: PSAT1 (phosphoserine aminotransferase 1; plus strand). Cytogenetic location: 9q21.2.
Variant type: single nucleotide variant.
Coding change: c.1031C>G on transcript NM_058179.4 (MANE Select); coding-DNA position 1031, C replaced by G.
Protein change: p.Ser344Cys; replaces serine 344 with cysteine.
Molecular consequence: missense variant.
Genome position (GRCh38, 1-based): chr9:78,329,004, C>G. VCF-style: chr9-78329004-C-G. GRCh37 (hg19) VCF-style: chr9-80943920-C-G.
Other names: c.893C>G, p.Ser298Cys (NM_021154.5); short protein forms S298C, S344C.
Identifiers: ClinVar variation 977013 (VCV000977013.7), dbSNP rs370557155, ClinGen allele CA5095801.
Genomic context (GRCh38, chr9:78,329,004, plus strand): 5'-TTTTTGTTCTCAATGCCTGGATCTTTGGTCATTCTAGGTCTGTGGGAGGCATCCGGGCCT[C>G]TCTGTATAATGCTGTCACAATTGAAGACGTTCAGAAGCTGGCCGCCTTCATGAAAAAATT-3'
Protein context (NP_478059.1, residues 334-354): GHRSVGGIRA[Ser344Cys]LYNAVTIEDV